The following is an entry in ClinVar:

ClinVar aggregate classification (germline): Uncertain significance (1 of 4 stars; one submission).

Conditions:
Spondylodysplastic Ehlers-Danlos syndrome. Identifiers: Orphanet 536471, Orphanet 75496, MedGen C5680154, MONDO:0007526.

Allele frequency attached by ClinVar (database versions not stated): ESP Exome Variant Server 0.00008; gnomAD exomes below 0.00001; TOPMed below 0.00001.
gnomAD v4.1: 2 of 1,614,108 alleles (0.00012%); highest among the groups gnomAD compares: Admixed American, 0.0017%; no homozygotes.

Submission:

Labcorp Genetics (formerly Invitae), Labcorp
Classification: Uncertain significance for Spondylodysplastic Ehlers-Danlos syndrome. Last evaluated: 2021-11-24. Review status: criteria provided, single submitter. Criteria: Invitae Variant Classification Sherloc (09022015). Collection method: clinical testing. Allele origin: germline.
Comment: In summary, the available evidence is currently insufficient to determine the role of this variant in disease. Therefore, it has been classified as a Variant of Uncertain Significance. Algorithms developed to predict the effect of sequence changes on RNA splicing suggest that this variant may create or strengthen a splice site. Algorithms developed to predict the effect of missense changes on protein structure and function are either unavailable or do not agree on the potential impact of this missense change (SIFT: "Deleterious"; PolyPhen-2: "Probably Damaging"; Align-GVGD: "Class C0"). This variant has not been reported in the literature in individuals affected with B4GALT7-related conditions. This variant is not present in population databases (gnomAD no frequency). This sequence change replaces histidine, which is basic and polar, with tyrosine, which is neutral and polar, at codon 162 of the B4GALT7 protein (p.His162Tyr).

NM_007255.3(B4GALT7):c.484C>T (p.His162Tyr)

Gene: B4GALT7 (beta-1,4-galactosyltransferase 7; plus strand). Cytogenetic location: 5q35.3.
Variant type: single nucleotide variant.
Coding change: c.484C>T on transcript NM_007255.3 (MANE Select); coding-DNA position 484, C replaced by T.
Protein change: p.His162Tyr; replaces histidine 162 with tyrosine.
Molecular consequence: missense variant.
Genome position (GRCh38, 1-based): chr5:177,607,372, C>T. VCF-style: chr5-177607372-C-T. GRCh37 (hg19) VCF-style: chr5-177034373-C-T.
Other names: short protein forms H162Y.
Identifiers: ClinVar variation 1521454 (VCV001521454.6), dbSNP rs375801425, ClinGen allele CA132894688.
Genomic context (GRCh38, chr5:177,607,372, plus strand): 5'-GCAGCGCTCATCAACGTGGGCTTCCTGGAGAGCAGCAACAGCACGGACTACATTGCCATG[C>T]ACGACGTTGACCTGCTCCCTCTCAACGAGGAGCTGGACTATGGCTTTCCTGAGGCTGGGC-3'
Protein context (NP_009186.1, residues 152-172): SSNSTDYIAM[His162Tyr]DVDLLPLNEE